The following is an entry in ClinVar:

ClinVar aggregate classification (germline): Uncertain significance (1 of 4 stars; one submission).

Conditions:
Severe combined immunodeficiency due to DNA-PKcs deficiency. Also called: Immunodeficiency 26 with or without neurologic abnormalities; IMMUNODEFICIENCY 26 WITH NEUROLOGIC ABNORMALITIES. Identifiers: Orphanet 317425, MedGen C4014833, MONDO:0014423, OMIM 615966.

Allele frequency attached by ClinVar (database versions not stated): gnomAD 0.00001; ExAC 0.00002; ESP Exome Variant Server 0.00017.
gnomAD v4.1: 7 of 1,613,008 alleles (0.00043%); highest among the groups gnomAD compares: Non-Finnish European, 0.00042%; no homozygotes.

Submission:

Labcorp Genetics (formerly Invitae), Labcorp
Classification: Uncertain significance for Severe combined immunodeficiency due to DNA-PKcs deficiency. Last evaluated: 2026-01-19. Review status: criteria provided, single submitter. Criteria: Invitae Variant Classification Sherloc (09022015). Collection method: clinical testing. Allele origin: germline.
Comment: This sequence change replaces aspartic acid, which is acidic and polar, with tyrosine, which is neutral and polar, at codon 1588 of the PRKDC protein (p.Asp1588Tyr). This variant is present in population databases (rs371148497, gnomAD 0.01%). This variant has not been reported in the literature in individuals affected with PRKDC-related conditions. ClinVar contains an entry for this variant (Variation ID: 1506322). Invitae Evidence Modeling of protein sequence and biophysical properties (such as structural, functional, and spatial information, amino acid conservation, physicochemical variation, residue mobility, and thermodynamic stability) indicates that this missense variant is not expected to disrupt PRKDC protein function with a negative predictive value of 80%. In summary, the available evidence is currently insufficient to determine the role of this variant in disease. Therefore, it has been classified as a Variant of Uncertain Significance.

NM_006904.7(PRKDC):c.4762G>T (p.Asp1588Tyr)

Gene: PRKDC (protein kinase, DNA-activated, catalytic subunit; minus strand). Cytogenetic location: 8q11.21.
Variant type: single nucleotide variant.
Coding change: c.4762G>T on transcript NM_006904.7 (MANE Select); coding-DNA position 4762, G replaced by T.
Protein change: p.Asp1588Tyr; replaces aspartic acid 1588 with tyrosine.
Molecular consequence: missense variant.
Genome position (GRCh38, 1-based): chr8:47,885,958, C>A on the plus strand (G>T on the coding strand, the complement: PRKDC is on the minus strand). VCF-style: chr8-47885958-C-A. GRCh37 (hg19) VCF-style: chr8-48798519-C-A.
Other names: c.4762G>T, p.Asp1588Tyr (NM_001081640.2); short protein forms D1588Y.
Identifiers: ClinVar variation 1506322 (VCV001506322.5), dbSNP rs371148497, ClinGen allele CA4740821.